The following is an entry in ClinVar:

NM_177438.3(DICER1):c.2209C>A (p.Pro737Thr)

Gene: DICER1 (dicer 1, ribonuclease III; minus strand). Cytogenetic location: 14q32.13.
Variant type: single nucleotide variant.
Coding change: c.2209C>A on transcript NM_177438.3 (MANE Select); coding-DNA position 2209, C replaced by A.
Protein change: p.Pro737Thr; replaces proline 737 with threonine.
Molecular consequence: missense variant.
Genome position (GRCh38, 1-based): chr14:95,111,364, G>T on the plus strand (C>A on the coding strand, the complement: DICER1 is on the minus strand). VCF-style: chr14-95111364-G-T. GRCh37 (hg19) VCF-style: chr14-95577701-G-T.
Other names: c.2209C>A, p.Pro737Thr (NM_001195573.1, NM_001271282.3, NM_001291628.2 and 1 more transcripts); short protein forms P737T.
Identifiers: ClinVar variation 1037887 (VCV001037887.10), dbSNP rs778284198, ClinGen allele CA390882597.
Genomic context (GRCh38, chr14:95,111,364, plus strand): 5'-AACCAATACTAACTGCTTTTGGGTAGCACTGCCTTCGTTTCGTGGAACCTGGTCTTCCTG[G>T]AACACTGGTCTCTTCTTCATCATGCAAATCAAGCTCCTCTTCATATTTAACAGTCTCTTT-3'
Protein context (NP_803187.1, residues 727-747): DLHDEEETSV[Pro737Thr]GRPGSTKRRQ

ClinVar aggregate classification (germline): Uncertain significance (1 of 4 stars; one submission).

Conditions:
DICER1-related tumor predisposition. Also called: DICER1 syndrome; DICER1-related pleuropulmonary blastoma cancer predisposition syndrome. Identifiers: Orphanet 284343, MedGen C3839822, MONDO:0100216.

gnomAD v4.1: 2 of 1,614,132 alleles (0.00012%); highest among the groups gnomAD compares: Non-Finnish European, 0.00017%; no homozygotes.

Submission:

Labcorp Genetics (formerly Invitae), Labcorp
Classification: Uncertain significance for DICER1-related tumor predisposition. Last evaluated: 2018-04-09. Review status: criteria provided, single submitter. Criteria: Invitae Variant Classification Sherloc (09022015). Collection method: clinical testing. Allele origin: germline.
Comment: In summary, the available evidence is currently insufficient to determine the role of this variant in disease. Therefore, it has been classified as a Variant of Uncertain Significance. Algorithms developed to predict the effect of missense changes on protein structure and function do not agree on the potential impact of this missense change (SIFT: "Deleterious"; PolyPhen-2: "Benign"; Align-GVGD: "Class C0"). This variant has not been reported in the literature in individuals with DICER1-related disease. This variant is not present in population databases (ExAC no frequency). This sequence change replaces proline with threonine at codon 737 of the DICER1 protein (p.Pro737Thr). The proline residue is highly conserved and there is a small physicochemical difference between proline and threonine.